The following is an entry in ClinVar:

ClinVar aggregate classification (germline): Uncertain significance (1 of 4 stars; one submission).

Allele frequency attached by ClinVar (database versions not stated): TOPMed 0.00003; gnomAD 0.00002.
gnomAD v4.1: 7 of 1,614,050 alleles (0.00043%); highest among the groups gnomAD compares: African/African-American, 0.008%; no homozygotes.

Submission:

Labcorp Genetics (formerly Invitae), Labcorp
Classification: Uncertain significance. Last evaluated: 2025-10-11. Review status: criteria provided, single submitter. Criteria: Invitae Variant Classification Sherloc (09022015). Collection method: clinical testing. Allele origin: germline.
Comment: This sequence change replaces isoleucine, which is neutral and non-polar, with valine, which is neutral and non-polar, at codon 947 of the KCNH1 protein (p.Ile947Val). This variant is present in population databases (no rsID available, gnomAD 0.01%). This variant has not been reported in the literature in individuals affected with KCNH1-related conditions. ClinVar contains an entry for this variant (Variation ID: 1487932). Invitae Evidence Modeling of protein sequence and biophysical properties (such as structural, functional, and spatial information, amino acid conservation, physicochemical variation, residue mobility, and thermodynamic stability) indicates that this missense variant is not expected to disrupt KCNH1 protein function with a negative predictive value of 95%. In summary, the available evidence is currently insufficient to determine the role of this variant in disease. Therefore, it has been classified as a Variant of Uncertain Significance.

NM_172362.3(KCNH1):c.2839A>G (p.Ile947Val)

Gene: KCNH1 (potassium voltage-gated channel subfamily H member 1; minus strand). Cytogenetic location: 1q32.2.
Variant type: single nucleotide variant.
Coding change: c.2839A>G on transcript NM_172362.3 (MANE Select); coding-DNA position 2839, A replaced by G.
Protein change: p.Ile947Val; replaces isoleucine 947 with valine.
Molecular consequence: missense variant.
Genome position (GRCh38, 1-based): chr1:210,683,412, T>C on the plus strand (A>G on the coding strand, the complement: KCNH1 is on the minus strand). VCF-style: chr1-210683412-T-C. GRCh37 (hg19) VCF-style: chr1-210856754-T-C.
Other names: c.2758A>G, p.Ile920Val (NM_002238.4); short protein forms I920V, I947V.
Identifiers: ClinVar variation 1487932 (VCV001487932.6), dbSNP rs929816583, ClinGen allele CA37111542.